The following is an entry in ClinVar:

NM_007186.6(CEP250):c.4816G>A (p.Ala1606Thr)

Gene: CEP250 (centrosomal protein 250; plus strand). Cytogenetic location: 20q11.22.
Variant type: single nucleotide variant.
Coding change: c.4816G>A on transcript NM_007186.6 (MANE Select); coding-DNA position 4816, G replaced by A.
Protein change: p.Ala1606Thr; replaces alanine 1606 with threonine.
Molecular consequence: missense variant.
Genome position (GRCh38, 1-based): chr20:35,503,185, G>A. VCF-style: chr20-35503185-G-A. GRCh37 (hg19) VCF-style: chr20-34091013-G-A.
Other names: c.2920G>A, p.Ala974Thr (NM_001318219.1); short protein forms A1606T, A974T.
Identifiers: ClinVar variation 1502508 (VCV001502508.8), dbSNP rs2147156541, ClinGen allele CA408749687.

ClinVar aggregate classification (germline): Uncertain significance (1 of 4 stars; one submission).

Submission:

Labcorp Genetics (formerly Invitae), Labcorp
Classification: Uncertain significance. Last evaluated: 2022-02-02. Review status: criteria provided, single submitter. Criteria: Invitae Variant Classification Sherloc (09022015). Collection method: clinical testing. Allele origin: germline.
Comment: This sequence change replaces alanine, which is neutral and non-polar, with threonine, which is neutral and polar, at codon 1606 of the CEP250 protein (p.Ala1606Thr). In summary, the available evidence is currently insufficient to determine the role of this variant in disease. Therefore, it has been classified as a Variant of Uncertain Significance. Algorithms developed to predict the effect of missense changes on protein structure and function are either unavailable or do not agree on the potential impact of this missense change (SIFT: "Not Available"; PolyPhen-2: "Benign"; Align-GVGD: "Not Available"). This variant has not been reported in the literature in individuals affected with CEP250-related conditions. This variant is not present in population databases (gnomAD no frequency).